The following is an entry in ClinVar:

NM_001848.3(COL6A1):c.1611+2T>A

Gene: COL6A1 (collagen type VI alpha 1 chain; plus strand). Cytogenetic location: 21q22.3.
Variant type: single nucleotide variant.
Coding change: c.1611+2T>A on transcript NM_001848.3 (MANE Select); the canonical splice donor site of the intron after coding-DNA position 1611, T replaced by A.
Molecular consequence: splice donor variant.
Genome position (GRCh38, 1-based): chr21:45,998,435, T>A. VCF-style: chr21-45998435-T-A. GRCh37 (hg19) VCF-style: chr21-47418349-T-A.
Identifiers: ClinVar variation 4720208 (VCV004720208.1).

ClinVar aggregate classification (germline): Likely pathogenic (1 of 4 stars; one submission).

Conditions:
Bethlem myopathy 1A. Also called: MYOPATHY, BENIGN CONGENITAL, WITH CONTRACTURES; Bethlem myopathy 1; Bethlem Muscular Dystrophy. Identifiers: Orphanet 610, MedGen CN029274, MONDO:0024530, OMIM 158810.

Submission:

Labcorp Genetics (formerly Invitae), Labcorp
Classification: Likely pathogenic for Bethlem myopathy 1A. Last evaluated: 2025-05-25. Review status: criteria provided, single submitter. Criteria: Invitae Variant Classification Sherloc (09022015). Collection method: clinical testing. Allele origin: germline.
Comment: This sequence change affects a donor splice site in intron 24 of the COL6A1 gene. It is expected to disrupt RNA splicing. Variants that disrupt the donor or acceptor splice site typically lead to a loss of protein function (PMID: 16199547), and loss-of-function variants in COL6A1 are known to be disease-causing for autosomal recessive COL6A1-related conditions (PMID: 21280092, 20976770). However, certain variants affecting donor or acceptor splice sites in the triple helical domain of COL6A1 are expected to result in in-frame exon skipping and have been reported to cause autosomal dominant COL6A1-related conditions (PMID: 18366090). This variant is not present in population databases (gnomAD no frequency). This variant has not been reported in the literature in individuals affected with COL6A1-related conditions. Algorithms developed to predict the effect of sequence changes on RNA splicing suggest that this variant may disrupt the consensus splice site. In summary, the currently available evidence indicates that the variant is pathogenic, but additional data are needed to prove that conclusively. Therefore, this variant has been classified as Likely Pathogenic.

Literature cited by the submitters: PubMed 16199547; PubMed 21280092; PubMed 20976770; PubMed 18366090.